The following is an entry in ClinVar:

NC_000019.9:g.(?_15636148)_(15662282_?)del

Gene: CYP4F22 (cytochrome P450 family 4 subfamily F member 22; plus strand). Cytogenetic location: 19p13.12.
Variant type: Deletion.
Identifiers: ClinVar variation 1459651 (VCV001459651.4).

ClinVar aggregate classification (germline): Pathogenic (1 of 4 stars; one submission).

Submission:

Labcorp Genetics (formerly Invitae), Labcorp
Classification: Pathogenic. Last evaluated: 2021-09-26. Review status: criteria provided, single submitter. Criteria: Invitae Variant Classification Sherloc (09022015). Collection method: clinical testing. Allele origin: germline.
Comment: A gross deletion of the genomic region encompassing the full coding sequence of the CYP4F22 gene has been identified. Loss-of-function variants in CYP4F22 are known to be pathogenic (PMID: 16436457, 24397709, 26762237). The boundaries of this event are unknown as they extend beyond the assayed region for this gene and therefore may encompass additional genes. This variant has not been reported in the literature in individuals affected with CYP4F22-related conditions. For these reasons, this variant has been classified as Pathogenic.

Literature cited by the submitters: PubMed 16436457; PubMed 24397709; PubMed 26762237.